The following is an entry in ClinVar:

NM_004539.4(NARS1):c.50C>T (p.Thr17Met)

Gene: NARS1 (asparaginyl-tRNA synthetase 1; minus strand). Cytogenetic location: 18q21.31.
Variant type: single nucleotide variant.
Coding change: c.50C>T on transcript NM_004539.4 (MANE Select); coding-DNA position 50, C replaced by T.
Protein change: p.Thr17Met; replaces threonine 17 with methionine.
Molecular consequence: missense variant.
Genome position (GRCh38, 1-based): chr18:57,620,612, G>A on the plus strand (C>T on the coding strand, the complement: NARS1 is on the minus strand). VCF-style: chr18-57620612-G-A. GRCh37 (hg19) VCF-style: chr18-55287844-G-A.
Other names: c.50C>T (NM_004539.3); short protein forms T17M.
Identifiers: ClinVar variation 986308 (VCV000986308.3), dbSNP rs148893823, ClinGen allele CA8973845.

ClinVar aggregate classification (germline): Likely pathogenic. Review status: criteria provided, multiple submitters, no conflicts (2 of 4 stars). 3 submissions from 3 submitters: Likely pathogenic (2). 1 of the submissions does not count toward it. Last evaluated 2025-07-18.

Conditions:
NARS1-related disorder. Also called: NARS1-related condition.
Neurodevelopmental disorder with microcephaly, impaired language, and gait abnormalities. Identifiers: MedGen C5436783, MONDO:0100348, OMIM 619091.

Allele frequency attached by ClinVar (database versions not stated): gnomAD exomes 0.00001; ExAC 0.00002; gnomAD 0.00003; TOPMed 0.00003; ESP Exome Variant Server 0.00023.
gnomAD v4.1: 14 of 1,613,494 alleles (0.00087%); highest among the groups gnomAD compares: African/African-American, 0.008%; no homozygotes.

Submissions (3):

PreventionGenetics, part of Exact Sciences
Classification: Likely pathogenic for NARS1-related condition. Last evaluated: 2025-07-18. Review status: criteria provided, single submitter. Criteria: ACMG Guidelines, 2015. Collection method: clinical testing. Allele origin: germline.
Comment: The NARS1 c.50C>T variant is predicted to result in the amino acid substitution p.Thr17Met. Of note, this individual also had two similarly affected siblings who had previously died and could not be tested for the presence of the p.Val17Met variant. In vitro functional studies in homozygous patient fibroblasts demonstrated that this variant leads to reduced protein expression and NARS1 enzymatic activity relative to wild type (Manole et al. 2020. PubMed ID: 32738225; Wang et al. 2020. PubMed ID: 32788587). Additional experiments using patient-derived cortical neuron organoids showed this variant led to impaired growth relative to wild type, accompanied by disorganization and reduced proliferation of radial glial cells (Wang et al. 2020. PubMed ID: 32788587). This variant is reported in 0.012% of alleles in individuals of African descent in gnomAD. Taken together, this variant is interpreted as likely pathogenic for autosomal recessive NARS1-related neurodevelopmental disorders.

SIB Swiss Institute of Bioinformatics
Classification: Likely pathogenic for Neurodevelopmental disorder with microcephaly, impaired language, and gait abnormalities. Last evaluated: 2021-05-10. Review status: criteria provided, single submitter. Criteria: ACMG Guidelines, 2015. Collection method: curation. Allele origin: unknown.
Comment: This variant is interpreted as likely pathogenic for Neurodevelopmental disorder with microcephaly, impaired language, and gait abnormalities, autosomal recessive. The following ACMG Tag(s) were applied: Absent from controls (or at extremely low frequency if recessive) in Exome Sequencing Project, 1000 Genomes Project, or Exome Aggregation Consortium (PM2); Well-established functional studies show a deleterious effect (PS3).

OMIM
Classification: Pathogenic for NEURODEVELOPMENTAL DISORDER WITH MICROCEPHALY, IMPAIRED LANGUAGE, AND GAIT ABNORMALITIES. Last evaluated: 2020-11-18. Review status: no assertion criteria provided. Collection method: literature only. Allele origin: germline. Not counted in ClinVar's aggregate classification.

Literature cited by the submitters: PubMed 32738225 (cited by SIB Swiss Institute of Bioinformatics and OMIM); PubMed 32788587 (cited by SIB Swiss Institute of Bioinformatics and OMIM).